The following is an entry in ClinVar:

NM_012186.3(FOXE3):c.88_90dup (p.Ser30_Pro31insSer)

Genes: FOXE3 (forkhead box E3; plus strand), LINC01389 (long independently transcribed non-coding RNA 1389; minus strand). Cytogenetic location: 1p33.
Variant type: Duplication.
Coding change: c.88_90dup on transcript NM_012186.3 (MANE Select); coding-DNA positions 88 to 90, 3 bases duplicated (TCG; older notation c.88_90dupTCG).
Protein change: p.Ser30_Pro31insSer.
Genome position (GRCh38, 1-based): chr1:47,416,403-47,416,405, TCG duplicated; duplicating any 3 consecutive bases within chr1:47,416,401-47,416,405 gives the same sequence; the c. name uses the placement nearest the transcript's 3' end. VCF-style (leftmost placement, unchanged base first): chr1-47416400-C-CCGT. GRCh37 (hg19) VCF-style: chr1-47882072-C-CCGT.
Identifiers: ClinVar variation 4783181 (VCV004783181.1).

ClinVar aggregate classification (germline): Uncertain significance (1 of 4 stars; one submission).

Conditions:
Anterior segment dysgenesis. Also called: Ocular anterior segment dysgenesis. Identifiers: Orphanet 88632, MedGen C1862839, MONDO:0019503, HP:0007700.
Congenital primary aphakia. Also called: Anterior segment dysgenesis 2, multiple subtypes; ANTERIOR SEGMENT DYSGENESIS 2. Identifiers: Orphanet 83461, MedGen C1853230, MONDO:0012456, OMIM 610256.

Submission:

Labcorp Genetics (formerly Invitae), Labcorp
Classification: Uncertain significance for Anterior segment dysgenesis; Congenital primary aphakia. Last evaluated: 2025-11-06. Review status: criteria provided, single submitter. Criteria: Invitae Variant Classification Sherloc (09022015). Collection method: clinical testing. Allele origin: germline.
Comment: This variant, c.88_90dup, results in the insertion of 1 amino acid(s) of the FOXE3 protein (p.Ser30dup), but otherwise preserves the integrity of the reading frame. This variant is not present in population databases (gnomAD no frequency). This variant has not been reported in the literature in individuals affected with FOXE3-related conditions. In summary, the available evidence is currently insufficient to determine the role of this variant in disease. Therefore, it has been classified as a Variant of Uncertain Significance.